The following is an entry in ClinVar:

ClinVar aggregate classification (germline): Uncertain significance (1 of 4 stars; one submission).

Conditions:
Epileptic encephalopathy. Identifiers: MedGen C0543888, HP:0200134.

Allele frequency attached by ClinVar (database versions not stated): gnomAD exomes 0.00002; ExAC 0.00003; gnomAD 0.00009 and 0.00010; TOPMed 0.00010; ESP Exome Variant Server 0.00024.
gnomAD v4.1: 31 of 1,612,480 alleles (0.0019%); highest among the groups gnomAD compares: African/African-American, 0.021%; no homozygotes.

Submission:

Labcorp Genetics (formerly Invitae), Labcorp
Classification: Uncertain significance for Epileptic encephalopathy. Last evaluated: 2020-08-03. Review status: criteria provided, single submitter. Criteria: Invitae Variant Classification Sherloc (09022015). Collection method: clinical testing. Allele origin: germline.
Comment: In summary, the available evidence is currently insufficient to determine the role of this variant in disease. Therefore, it has been classified as a Variant of Uncertain Significance. Algorithms developed to predict the effect of missense changes on protein structure and function (SIFT, PolyPhen-2, Align-GVGD) all suggest that this variant is likely to be disruptive, but these predictions have not been confirmed by published functional studies and their clinical significance is uncertain. This variant has not been reported in the literature in individuals with RYR3-related disease. This sequence change replaces valine with isoleucine at codon 2216 of the RYR3 protein (p.Val2216Ile). The valine residue is highly conserved and there is a small physicochemical difference between valine and isoleucine. This variant is present in population databases (rs201633619, ExAC 0.03%).

NM_001036.6(RYR3):c.6646G>A (p.Val2216Ile)

Gene: RYR3 (ryanodine receptor 3; plus strand). Cytogenetic location: 15q14.
Variant type: single nucleotide variant.
Coding change: c.6646G>A on transcript NM_001036.6 (MANE Select); coding-DNA position 6646, G replaced by A.
Protein change: p.Val2216Ile; replaces valine 2216 with isoleucine.
Molecular consequence: missense variant.
Genome position (GRCh38, 1-based): chr15:33,722,741, G>A. VCF-style: chr15-33722741-G-A. GRCh37 (hg19) VCF-style: chr15-34014942-G-A.
Other names: c.6646G>A, p.Val2216Ile (NM_001243996.4); short protein forms V2216I.
Identifiers: ClinVar variation 530975 (VCV000530975.8), dbSNP rs201633619, ClinGen allele CA7459634.